The following is an entry in ClinVar:

NM_000535.7(PMS2):c.2398C>A (p.Pro800Thr)

Gene: PMS2 (PMS1 homolog 2, mismatch repair system component; minus strand). Cytogenetic location: 7p22.1.
Variant type: single nucleotide variant.
Coding change: c.2398C>A on transcript NM_000535.7 (MANE Select); coding-DNA position 2398, C replaced by A.
Protein change: p.Pro800Thr; replaces proline 800 with threonine.
Molecular consequence: missense variant. On other transcripts: non-coding transcript variant (1).
Genome position (GRCh38, 1-based): chr7:5,977,635, G>T on the plus strand (C>A on the coding strand, the complement: PMS2 is on the minus strand). VCF-style: chr7-5977635-G-T. GRCh37 (hg19) VCF-style: chr7-6017266-G-T.
Other names: c.1993C>A, p.Pro665Thr (NM_001322003.2, NM_001322004.2, NM_001322005.2 and 11 more transcripts); c.2242C>A, p.Pro748Thr (NM_001322006.2); c.2089C>A, p.Pro697Thr (NM_001406878.1, NM_001406879.1, NM_001406880.1 and 4 more transcripts); c.1933C>A, p.Pro645Thr (NM_001406900.1); c.1465C>A, p.Pro489Thr (NM_001322011.2, NM_001322012.2); c.2200C>A, p.Pro734Thr (NM_001406873.1); c.2230C>A, p.Pro744Thr (NM_001406874.1, NM_001406872.1); c.2080C>A, p.Pro694Thr (NM_001322007.2, NM_001322008.2, NM_001406883.1); and 20 more; short protein forms P399T, P543T, P629T, P676T, P744T, P764T, P609T, P642T.
Identifiers: ClinVar variation 3935119 (VCV003935119.1).

ClinVar aggregate classification (germline): Uncertain significance (1 of 4 stars; one submission).

Conditions:
Hereditary cancer-predisposing syndrome. Also called: Tumor predisposition; Hereditary neoplastic syndrome; Hereditary Cancer Syndrome; Neoplastic Syndromes, Hereditary. Identifiers: Orphanet 140162, MedGen C0027672, MeSH D009386, MONDO:0015356.

Submission:

Ambry Genetics
Classification: Uncertain significance for Hereditary cancer-predisposing syndrome. Last evaluated: 2025-04-04. Review status: criteria provided, single submitter. Criteria: Ambry Variant Classification Scheme 2023. Collection method: clinical testing. Allele origin: germline.
Comment: The p.P800T variant (also known as c.2398C>A), located in coding exon 14 of the PMS2 gene, results from a C to A substitution at nucleotide position 2398. The proline at codon 800 is replaced by threonine, an amino acid with highly similar properties. This amino acid position is conserved. In addition, this alteration is predicted to be deleterious by in silico analysis. Based on the available evidence, the clinical significance of this variant remains unclear.